The following is an entry in ClinVar:

ClinVar aggregate classification (germline): Pathogenic (1 of 4 stars; one submission).

Conditions:
Nemaline myopathy 2 (NEM2). Also called: Nemaline myopathy 2, autosomal recessive. Identifiers: MedGen C1850569, MONDO:0009725, OMIM 256030.

Submission:

Labcorp Genetics (formerly Invitae), Labcorp
Classification: Pathogenic for Nemaline myopathy 2. Last evaluated: 2021-11-03. Review status: criteria provided, single submitter. Criteria: Invitae Variant Classification Sherloc (09022015). Collection method: clinical testing. Allele origin: germline.
Comment: For these reasons, this variant has been classified as Pathogenic. This variant has not been reported in the literature in individuals affected with NEB-related conditions. This variant is not present in population databases (gnomAD no frequency). This sequence change creates a premature translational stop signal (p.Leu8117*) in the NEB gene. It is expected to result in an absent or disrupted protein product. Loss-of-function variants in NEB are known to be pathogenic (PMID: 25205138).

Literature cited by the submitters: PubMed 25205138.

NM_001164508.2(NEB):c.24245T>A (p.Leu8082Ter)

Genes: NEB (nebulin; minus strand), RIF1 (replication timing regulatory factor 1; plus strand). Cytogenetic location: 2q23.3.
Variant type: single nucleotide variant.
Coding change: c.24245T>A on transcript NM_001164508.2 (MANE Select); coding-DNA position 24245, T replaced by A.
Protein change: p.Leu8082Ter; replaces leucine 8082 with a stop codon.
Molecular consequence: nonsense. On other transcripts: intron variant (1).
Genome position (GRCh38, 1-based): chr2:151,497,681, A>T on the plus strand (T>A on the coding strand, the complement: NEB is on the minus strand). VCF-style: chr2-151497681-A-T. GRCh37 (hg19) VCF-style: chr2-152354195-A-T.
Other names: c.24245T>A, p.Leu8082Ter (NM_001164507.2); c.24350T>A, p.Leu8117Ter (NM_001271208.2); c.18826-1313T>A (NM_004543.5); short protein forms L8117*, L8082*.
Identifiers: ClinVar variation 1374182 (VCV001374182.6), dbSNP rs1559218052, ClinGen allele CA348778950.